The following is an entry in ClinVar:

ClinVar aggregate classification (germline): Uncertain significance (1 of 4 stars; one submission).

gnomAD v4.1: 1 of 1,614,002 alleles (0.000062%); highest among the groups gnomAD compares: Non-Finnish European, 0.000085%; no homozygotes.

Submission:

Labcorp Genetics (formerly Invitae), Labcorp
Classification: Uncertain significance. Last evaluated: 2025-03-18. Review status: criteria provided, single submitter. Criteria: Invitae Variant Classification Sherloc (09022015). Collection method: clinical testing. Allele origin: germline.
Comment: This sequence change replaces proline, which is neutral and non-polar, with serine, which is neutral and polar, at codon 577 of the C3 protein (p.Pro577Ser). This variant is not present in population databases (gnomAD no frequency). This variant has not been reported in the literature in individuals affected with C3-related conditions. ClinVar contains an entry for this variant (Variation ID: 1718036). Invitae Evidence Modeling of protein sequence and biophysical properties (such as structural, functional, and spatial information, amino acid conservation, physicochemical variation, residue mobility, and thermodynamic stability) indicates that this missense variant is expected to disrupt C3 protein function with a positive predictive value of 80%. In summary, the available evidence is currently insufficient to determine the role of this variant in disease. Therefore, it has been classified as a Variant of Uncertain Significance.

NM_000064.4(C3):c.1729C>T (p.Pro577Ser)

Gene: C3 (complement C3; minus strand). Cytogenetic location: 19p13.3.
Variant type: single nucleotide variant.
Coding change: c.1729C>T on transcript NM_000064.4 (MANE Select); coding-DNA position 1729, C replaced by T.
Protein change: p.Pro577Ser; replaces proline 577 with serine.
Molecular consequence: missense variant.
Genome position (GRCh38, 1-based): chr19:6,709,800, G>A on the plus strand (C>T on the coding strand, the complement: C3 is on the minus strand). VCF-style: chr19-6709800-G-A. GRCh37 (hg19) VCF-style: chr19-6709811-G-A.
Other names: short protein forms P577S.
Identifiers: ClinVar variation 1718036 (VCV001718036.5), dbSNP rs2512260738, ClinGen allele CA403639516.